The following is an entry in ClinVar:

NM_001100.4(ACTA1):c.1003C>G (p.Pro335Ala)

Gene: ACTA1 (actin alpha 1, skeletal muscle; minus strand). Cytogenetic location: 1q42.13.
Variant type: single nucleotide variant.
Coding change: c.1003C>G on transcript NM_001100.4 (MANE Select); coding-DNA position 1003, C replaced by G.
Protein change: p.Pro335Ala; replaces proline 335 with alanine.
Molecular consequence: missense variant.
Genome position (GRCh38, 1-based): chr1:229,431,630, G>C on the plus strand (C>G on the coding strand, the complement: ACTA1 is on the minus strand). VCF-style: chr1-229431630-G-C. GRCh37 (hg19) VCF-style: chr1-229567377-G-C.
Other names: short protein forms P335A.
Identifiers: ClinVar variation 583243 (VCV000583243.10), dbSNP rs1558081384, ClinGen allele CA345144949.

ClinVar aggregate classification (germline): Likely pathogenic (1 of 4 stars; one submission).

Conditions:
Actin accumulation myopathy (CMYO2A). Also called: CONGENITAL MYOPATHY 2A, TYPICAL, AUTOSOMAL DOMINANT; Nemaline myopathy type 3; Myopathy, actin, congenital, with cores; Nemaline myopathy 3, with intranuclear rods; Myopathy, actin, congenital, with excess of thin myofilaments. Identifiers: Orphanet 98904, MedGen C3711389, MONDO:0008070, OMIM 161800.

Submission:

Labcorp Genetics (formerly Invitae), Labcorp
Classification: Likely pathogenic for Actin accumulation myopathy. Last evaluated: 2022-02-23. Review status: criteria provided, single submitter. Criteria: Invitae Variant Classification Sherloc (09022015). Collection method: clinical testing. Allele origin: germline.
Comment: This variant disrupts the p.Pro335 amino acid residue in ACTA1. Other variant(s) that disrupt this residue have been determined to be pathogenic (PMID: 31127727; Invitae). This suggests that this residue is clinically significant, and that variants that disrupt this residue are likely to be disease-causing. Advanced modeling of protein sequence and biophysical properties (such as structural, functional, and spatial information, amino acid conservation, physicochemical variation, residue mobility, and thermodynamic stability) performed at Invitae indicates that this missense variant is expected to disrupt ACTA1 protein function. ClinVar contains an entry for this variant (Variation ID: 583243). This variant has not been reported in the literature in individuals affected with ACTA1-related conditions. This variant is not present in population databases (gnomAD no frequency). This sequence change replaces proline, which is neutral and non-polar, with alanine, which is neutral and non-polar, at codon 335 of the ACTA1 protein (p.Pro335Ala). In summary, the currently available evidence indicates that the variant is pathogenic, but additional data are needed to prove that conclusively. Therefore, this variant has been classified as Likely Pathogenic.

Literature cited by the submitters: PubMed 31127727.